The following is an entry in ClinVar:

NM_001378452.1(ITPR1):c.5527G>C (p.Gly1843Arg)

Gene: ITPR1 (inositol 1,4,5-trisphosphate receptor type 1; plus strand). Cytogenetic location: 3p26.1.
Variant type: single nucleotide variant.
Coding change: c.5527G>C on transcript NM_001378452.1 (MANE Select); coding-DNA position 5527, G replaced by C.
Protein change: p.Gly1843Arg; replaces glycine 1843 with arginine.
Molecular consequence: missense variant.
Genome position (GRCh38, 1-based): chr3:4,735,337, G>C. VCF-style: chr3-4735337-G-C. GRCh37 (hg19) VCF-style: chr3-4777021-G-C.
Other names: c.5383G>C, p.Gly1795Arg (NM_001099952.4); c.5482G>C, p.Gly1828Arg (NM_001168272.2); c.5338G>C, p.Gly1780Arg (NM_002222.7); short protein forms G1780R, G1795R, G1828R, G1843R.
Identifiers: ClinVar variation 1710341 (VCV001710341.1), dbSNP rs2469953279, ClinGen allele CA351639504.

ClinVar aggregate classification (germline): Likely pathogenic (1 of 4 stars; one submission).

Conditions:
Bilateral congenital mydriasis. Identifiers: MedGen C4024770, HP:0007932.

Submission:

Genetics Department, University Hospital of Toulouse
Classification: Likely pathogenic for Bilateral congenital mydriasis. Last evaluated: 2022-10-15. Review status: criteria provided, single submitter. Criteria: ACMG Guidelines, 2015. Collection method: clinical testing. Allele origin: germline. Affected: yes.
Comment: LP (PS2, PM2, PP3)